The following is an entry in ClinVar:

ClinVar aggregate classification (germline): Likely pathogenic (1 of 4 stars; one submission).

Conditions:
Dilated cardiomyopathy 1G (CMD1G). Identifiers: Orphanet 154, MedGen C1858763, MONDO:0011400, OMIM 604145.
Autosomal recessive limb-girdle muscular dystrophy type 2J (LGMDR10). Also called: MUSCULAR DYSTROPHY, LIMB-GIRDLE, AUTOSOMAL RECESSIVE 10; Limb-girdle muscular dystrophy, type 2J. Identifiers: Orphanet 140922, MedGen C1837342, MONDO:0012127, OMIM 608807.

Submission:

Labcorp Genetics (formerly Invitae), Labcorp
Classification: Likely pathogenic for Dilated cardiomyopathy 1G; Autosomal recessive limb-girdle muscular dystrophy type 2J. Last evaluated: 2023-02-03. Review status: criteria provided, single submitter. Criteria: Invitae Variant Classification Sherloc (09022015). Collection method: clinical testing. Allele origin: germline.
Comment: In summary, the currently available evidence indicates that the variant is pathogenic, but additional data are needed to prove that conclusively. Therefore, this variant has been classified as Likely Pathogenic. This variant is located in the A band of TTN (PMID: 25589632). Truncating variants in this region are significantly overrepresented in patients affected with dilated cardiomyopathy (PMID: 25589632). Truncating variants in this region have also been reported in individuals affected with autosomal recessive centronuclear myopathy (PMID: 23975875). This variant has not been reported in the literature in individuals affected with TTN-related conditions. This variant is not present in population databases (gnomAD no frequency). This sequence change creates a premature translational stop signal (p.Arg29874Glufs*4) in the TTN gene. While this is not anticipated to result in nonsense mediated decay, it is expected to create a truncated TTN protein.

Literature cited by the submitters: PubMed 25589632; PubMed 23975875.

NM_001267550.2(TTN):c.89619dup (p.Arg29874fs)

Genes: TTN (titin; minus strand), TTN-AS1 (TTN antisense RNA 1; plus strand). Cytogenetic location: 2q31.2.
Variant type: Duplication.
Coding change: c.89619dup on transcript NM_001267550.2 (MANE Select); coding-DNA position 89619, one base duplicated (G; older notation c.89619dupG).
Protein change: p.Arg29874fs; shifts the reading frame from arginine 29874.
Molecular consequence: frameshift variant.
Genome position (GRCh38, 1-based): chr2:178,553,281, C duplicated on the plus strand (G on the coding strand, the reverse complement: TTN is on the minus strand); the first of 2 consecutive C bases (chr2:178,553,281-178,553,282); duplicating either gives the same sequence. VCF-style (leftmost placement, unchanged base first): chr2-178553280-T-TC. GRCh37 (hg19) VCF-style: chr2-179418007-T-TC.
Other names: c.84696dup, p.Arg28233fs (NM_001256850.1); c.62424dup, p.Arg20809fs (NM_003319.4); c.81915dup, p.Arg27306fs (NM_133378.4); c.62799dup, p.Arg20934fs (NM_133432.3); c.63000dup, p.Arg21001fs (NM_133437.4); short protein forms R20934fs, R28233fs, R21001fs, R29874fs, R27306fs, R20809fs.
Identifiers: ClinVar variation 2943748 (VCV002943748.3), dbSNP rs2469320064, ClinGen allele CA2740095995.